The following is an entry in ClinVar:

ClinVar aggregate classification (germline): Uncertain significance (1 of 4 stars; one submission).

Conditions:
Congenital heart defects and ectodermal dysplasia (CHDED). Identifiers: MedGen C4479250, MONDO:0044303, OMIM 617364.

Submission:

Juno Genomics, Hangzhou Juno Genomics, Inc
Classification: Uncertain significance for Congenital heart defects and ectodermal dysplasia. Review status: criteria provided, single submitter. Criteria: ACMG Guidelines, 2015. Collection method: clinical testing. Allele origin: germline.
Comment: Absent from controls (or at extremely low frequency if recessive) in Genome Aggregation Database.;Multiple lines of computational evidence support a deleterious effect on the gene or gene product.

NM_002742.3(PRKD1):c.535+1G>T

Gene: PRKD1 (protein kinase D1; minus strand). Cytogenetic location: 14q12.
Variant type: single nucleotide variant.
Coding change: c.535+1G>T on transcript NM_002742.3 (MANE Select); the canonical splice donor site of the intron after coding-DNA position 535, G replaced by T.
Molecular consequence: splice donor variant.
Genome position (GRCh38, 1-based): chr14:29,666,076, C>A on the plus strand (G>T on the coding strand, the complement: PRKD1 is on the minus strand). VCF-style: chr14-29666076-C-A. GRCh37 (hg19) VCF-style: chr14-30135282-C-A.
Other names: c.535+1G>T (NM_001330069.2); c.247+1G>T (NM_001348390.1).
Identifiers: ClinVar variation 5005316 (VCV005005316.2).
Genomic context (GRCh38, chr14:29,666,076, plus strand): 5'-TGCTGCGATAAACACAGGAGAACAGCACACATTTAACTTGCATGGGAAGAAAATAACTTA[C>A]CTTCACATTTAAGACCTTGACGTACCAGCCCCCACAGCATTTCTCCACAGTGATCACAGA-3'